The following is an entry in ClinVar:

ClinVar aggregate classification (germline): Uncertain significance (1 of 4 stars; one submission).

Submission:

GeneDx
Classification: Uncertain significance. Last evaluated: 2026-02-13. Review status: criteria provided, single submitter. Criteria: GeneDx Variant Classification Process June 2021. Collection method: clinical testing. Allele origin: germline.
Comment: Not observed at significant frequency in large population cohorts (gnomAD); In silico analysis supports that this missense variant has a deleterious effect on protein structure/function; Has not been previously published as pathogenic or benign to our knowledge

NM_001400225.1(MGA):c.4424G>A (p.Gly1475Glu)

Gene: MGA (MAX dimerization protein MGA; plus strand). Cytogenetic location: 15q15.1.
Variant type: single nucleotide variant.
Coding change: c.4424G>A on transcript NM_001400225.1 (MANE Select); coding-DNA position 4424, G replaced by A.
Protein change: p.Gly1475Glu; replaces glycine 1475 with glutamic acid.
Molecular consequence: missense variant. On other transcripts: intron variant (1).
Genome position (GRCh38, 1-based): chr15:41,736,688, G>A. VCF-style: chr15-41736688-G-A. GRCh37 (hg19) VCF-style: chr15-42028886-G-A.
Other names: c.4424G>A, p.Gly1475Glu (NM_001080541.3, NM_001164273.2); c.4104+320G>A (NM_001400242.1); short protein forms G1475E.
Identifiers: ClinVar variation 4976482 (VCV004976482.1).